The following is an entry in ClinVar:

NM_001394062.1(MACF1):c.12399G>A (p.Lys4133=)

Gene: MACF1 (microtubule actin crosslinking factor 1; plus strand). Cytogenetic location: 1p34.3.
Variant type: single nucleotide variant.
Coding change: c.12399G>A on transcript NM_001394062.1 (MANE Select); coding-DNA position 12399, G replaced by A.
Protein change: p.Lys4133=; no amino-acid change (lysine 4133 retained).
Molecular consequence: synonymous variant.
Genome position (GRCh38, 1-based): chr1:39,360,947, G>A. VCF-style: chr1-39360947-G-A. GRCh37 (hg19) VCF-style: chr1-39826619-G-A.
Other names: c.6213G>A, p.Lys2071= (NM_012090.5).
Identifiers: ClinVar variation 2052215 (VCV002052215.26), dbSNP rs146610918, ClinGen allele CA781795.

ClinVar aggregate classification (germline): Benign/Likely benign. Review status: criteria provided, multiple submitters, no conflicts (2 of 4 stars). 3 submissions from 3 submitters: Benign (1); Likely benign (2). Last evaluated 2026-01-16.

Allele frequency attached by ClinVar (database versions not stated): 1000 Genomes Project 30x 0.00047; 1000 Genomes Project 0.00060; TOPMed 0.00139; gnomAD 0.00159; ESP Exome Variant Server 0.00192; ExAC 0.00201; gnomAD exomes 0.00238.
gnomAD v4.1: 3,701 of 1,614,134 alleles (0.23%); highest among the groups gnomAD compares: Non-Finnish European, 0.27%; 11 homozygotes.

Submissions (3):

Labcorp Genetics (formerly Invitae), Labcorp
Classification: Benign. Last evaluated: 2026-01-16. Review status: criteria provided, single submitter. Criteria: Invitae Variant Classification Sherloc (09022015). Collection method: clinical testing. Allele origin: germline.

CeGaT Center for Human Genetics Tuebingen
Classification: Likely benign. Last evaluated: 2025-10-01. Review status: criteria provided, single submitter. Criteria: CeGaT Center For Human Genetics Tuebingen Variant Classification Criteria Version 2. Collection method: clinical testing. Allele origin: germline. Affected: yes. Observed: 3 variant alleles.
Comment: MACF1: BP4, BP7

Blueprint Genetics
Classification: Likely benign. Last evaluated: 2024-11-15. Review status: criteria provided, single submitter. Criteria: ACMG Guidelines, 2015. Collection method: clinical testing. Allele origin: germline.